The following is an entry in ClinVar:

NM_020774.4(MIB1):c.2653T>G (p.Cys885Gly)

Gene: MIB1 (MIB E3 ubiquitin protein ligase 1; plus strand). Cytogenetic location: 18q11.2.
Variant type: single nucleotide variant.
Coding change: c.2653T>G on transcript NM_020774.4 (MANE Select); coding-DNA position 2653, T replaced by G.
Protein change: p.Cys885Gly; replaces cysteine 885 with glycine.
Molecular consequence: missense variant.
Genome position (GRCh38, 1-based): chr18:21,853,206, T>G. VCF-style: chr18-21853206-T-G. GRCh37 (hg19) VCF-style: chr18-19433167-T-G.
Other names: c.2653T>G (NM_020774.2); short protein forms C885G.
Identifiers: ClinVar variation 451866 (VCV000451866.3), dbSNP rs1286211902, ClinGen allele CA401797062.

ClinVar aggregate classification (germline): Uncertain significance. Review status: criteria provided, multiple submitters, no conflicts (2 of 4 stars). 2 submissions from 2 submitters: Uncertain significance (2). Last evaluated 2025-07-13.

Conditions:
Inborn genetic diseases. Identifiers: MedGen C0950123, MeSH D030342.

Allele frequency attached by ClinVar (database versions not stated): gnomAD 0.00001; TOPMed 0.00001.

Submissions (2):

Ambry Genetics
Classification: Uncertain significance for Inborn genetic diseases. Last evaluated: 2025-07-13. Review status: criteria provided, single submitter. Criteria: Ambry Variant Classification Scheme 2023. Collection method: clinical testing. Allele origin: germline.
Comment: The p.C885G variant (also known as c.2653T>G), located in coding exon 18 of the MIB1 gene, results from a T to G substitution at nucleotide position 2653. The cysteine at codon 885 is replaced by glycine, an amino acid with highly dissimilar properties. This amino acid position is conserved. In addition, this alteration is predicted to be deleterious by in silico analysis. Based on the available evidence, the clinical significance of this variant remains unclear.

GeneDx
Classification: Uncertain significance. Last evaluated: 2017-09-07. Review status: criteria provided, single submitter. Criteria: GeneDx Variant Classification (06012015). Collection method: clinical testing. Allele origin: germline. Affected: yes.
Comment: A variant of uncertain significance has been identified in the MIB1 gene. The C885G variant has not been published as pathogenic or been reported as benign to our knowledge. This variant is not observed in large population cohorts (Lek et al., 2016; 1000 Genomes Consortium et al., 2015; Exome Variant Server). The C885G variant is a non-conservative amino acid substitution, which is likely to impact secondary protein structure as these residues differ in polarity, charge, size and/or other properties. This substitution occurs at a position that is conserved across species. In silico analysis predicts this variant is probably damaging to the protein structure/function. However, no missense variants in nearby residues have been reported in the Human Gene Mutation Database in association with cardiomyopathy (Stenson et al., 2014).